The following is an entry in ClinVar:

NC_000009.11:g.(?_214977)_(372306_?)dup

Genes: DOCK8 (dedicator of cytokinesis 8; plus strand), DOCK8-AS1 (DOCK8 antisense RNA 1; minus strand). Cytogenetic location: 9p24.3.
Variant type: Duplication.
Identifiers: ClinVar variation 1413012 (VCV001413012.7).

ClinVar aggregate classification (germline): Uncertain significance (1 of 4 stars; one submission).

Conditions:
Combined immunodeficiency due to DOCK8 deficiency (HIES2). Also called: HYPER-IgE RECURRENT INFECTION SYNDROME 2, AUTOSOMAL RECESSIVE; HYPER-IgE SYNDROME 2, AUTOSOMAL RECESSIVE, WITH RECURRENT INFECTIONS; HIES autosomal recessive; DOCK8 Deficiency; Hyper-IgE recurrent infection syndrome, autosomal recessive. Identifiers: Orphanet 217390, MedGen C4722305, MONDO:0009478, OMIM 243700.

Submission:

Labcorp Genetics (formerly Invitae), Labcorp
Classification: Uncertain significance for Combined immunodeficiency due to DOCK8 deficiency. Last evaluated: 2021-06-19. Review status: criteria provided, single submitter. Criteria: Invitae Variant Classification Sherloc (09022015). Collection method: clinical testing. Allele origin: germline.
Comment: This variant results in a copy number gain of the genomic region encompassing exon(s) 1-18 of the DOCK8 gene. While the exact position of this variant cannot be determined from the data, sub-genic copy number gains are generally in tandem (PMID: 25640679). This variant is predicted to be in-frame, and likely preserves the integrity of the reading frame. This variant has not been reported in the literature in individuals affected with DOCK8-related conditions. In summary, the available evidence is currently insufficient to determine the role of this variant in disease. Therefore, it has been classified as a Variant of Uncertain Significance.

Literature cited by the submitters: PubMed 25640679.